The following is an entry in ClinVar:

NM_006164.5(NFE2L2):c.613G>C (p.Asp205His)

Gene: NFE2L2 (NFE2 like bZIP transcription factor 2; minus strand). Cytogenetic location: 2q31.2.
Variant type: single nucleotide variant.
Coding change: c.613G>C on transcript NM_006164.5 (MANE Select); coding-DNA position 613, G replaced by C.
Protein change: p.Asp205His; replaces aspartic acid 205 with histidine.
Molecular consequence: missense variant.
Genome position (GRCh38, 1-based): chr2:177,231,990, C>G on the plus strand (G>C on the coding strand, the complement: NFE2L2 is on the minus strand). VCF-style: chr2-177231990-C-G. GRCh37 (hg19) VCF-style: chr2-178096718-C-G.
Other names: c.565G>C, p.Asp189His (NM_001145412.3, NM_001313900.1, NM_001313901.1); c.544G>C, p.Asp182His (NM_001145413.3); c.523G>C, p.Asp175His (NM_001313902.2); c.394G>C, p.Asp132His (NM_001313903.2); c.313G>C, p.Asp105His (NM_001313904.1); short protein forms D205H, D105H, D189H, D182H, D132H, D175H.
Identifiers: ClinVar variation 2315836 (VCV002315836.3), dbSNP rs1032804016, ClinGen allele CA349374931.
Genomic context (GRCh38, chr2:177,231,990, plus strand): 5'-TGTCAACTTCTGTCAGTTTGGCTTCTGGACTTGGAACCATGGTAGTCTCAACCAGCTTGT[C>G]ATTTTCAATATTAAGACACTGCATGAGAAGGAAGTTTATACTATATAAATCAAAGTTAAT-3'
Protein context (NP_006155.2, residues 195-215): PELQCLNIEN[Asp205His]KLVETTMVPS

ClinVar aggregate classification (germline): Uncertain significance. Review status: criteria provided, multiple submitters, no conflicts (2 of 4 stars). 2 submissions from 2 submitters: Uncertain significance (2). Last evaluated 2025-06-04.

Allele frequency attached by ClinVar (database versions not stated): gnomAD exomes 0.00001.

Submissions (2):

Labcorp Genetics (formerly Invitae), Labcorp
Classification: Uncertain significance. Last evaluated: 2025-06-04. Review status: criteria provided, single submitter. Criteria: Invitae Variant Classification Sherloc (09022015). Collection method: clinical testing. Allele origin: germline.
Comment: This sequence change replaces aspartic acid, which is acidic and polar, with histidine, which is basic and polar, at codon 205 of the NFE2L2 protein (p.Asp205His). This variant is present in population databases (no rsID available, gnomAD 0.002%). This variant has not been reported in the literature in individuals affected with NFE2L2-related conditions. ClinVar contains an entry for this variant (Variation ID: 2315836). Invitae Evidence Modeling of protein sequence and biophysical properties (such as structural, functional, and spatial information, amino acid conservation, physicochemical variation, residue mobility, and thermodynamic stability) has been performed for this missense variant. However, the output from this modeling did not meet the statistical confidence thresholds required to predict the impact of this variant on NFE2L2 protein function. In summary, the available evidence is currently insufficient to determine the role of this variant in disease. Therefore, it has been classified as a Variant of Uncertain Significance.

Ambry Genetics
Classification: Uncertain significance. Last evaluated: 2022-10-03. Review status: criteria provided, single submitter. Criteria: Ambry Variant Classification Scheme 2023. Collection method: clinical testing. Allele origin: germline.